The following is an entry in ClinVar:

ClinVar aggregate classification (germline): Likely pathogenic (1 of 4 stars; one submission).

Conditions:
Autosomal recessive limb-girdle muscular dystrophy type 2B (LGMDR2). Also called: MUSCULAR DYSTROPHY, LIMB-GIRDLE, AUTOSOMAL RECESSIVE 2; MUSCULAR DYSTROPHY, LIMB-GIRDLE, TYPE 3; Limb-girdle muscular dystrophy, type 2B; Limb-Girdle Muscular Dystrophy Type 2B (LGMD2B). Identifiers: Orphanet 268, MedGen C1850889, MONDO:0009676, OMIM 253601.

gnomAD v4.1: 1 of 1,613,958 alleles (0.000062%); highest among the groups gnomAD compares: South Asian, 0.0011%; no homozygotes.

Submission:

Diagnostics Services (NGS), CSIR - Centre For Cellular And Molecular Biology
Classification: Likely pathogenic for Autosomal recessive limb-girdle muscular dystrophy type 2B. Last evaluated: 2025-04-09. Review status: criteria provided, single submitter. Criteria: ACMG Guidelines, 2015. Collection method: clinical testing. Allele origin: unknown. Affected: yes. Observed: 1 variant allele, 1 heterozygote.
Comment: The c.4755+2T>C variant is not present in publicly available population databases like 1000 Genomes, EVS, Indian Exome Database or our in-house exome database. The variant is present in gnomAD at low frequencies. This variant has neither been published in literature in individuals affected with DYSF-related conditions nor reported to the clinical databases like Human Genome Mutation Database (HGMD), ClinVar or OMIM, in any affected individuals. Algorithms developed to predict the effect of sequence changes on RNA splicing suggest that this variant can disrupt the consensus splice site. In-silico pathogenicity prediction programs like HSF3.1, MutationTaster2, CADD, Varsome, Franklin etc predicted the variant to be likely deleterious, however these predictions were not confirmed by published functional/translational studies.

NM_001130987.2(DYSF):c.4755+2T>C

Gene: DYSF (dysferlin; plus strand). Cytogenetic location: 2p13.2.
Variant type: single nucleotide variant.
Coding change: c.4755+2T>C on transcript NM_001130987.2 (MANE Select); the canonical splice donor site of the intron after coding-DNA position 4755, T replaced by C.
Molecular consequence: splice donor variant.
Genome position (GRCh38, 1-based): chr2:71,656,292, T>C. VCF-style: chr2-71656292-T-C. GRCh37 (hg19) VCF-style: chr2-71883422-T-C.
Other names: c.4731+2T>C (NM_001130979.2); c.4752+2T>C (NM_001130981.2); c.4689+2T>C (NM_001130980.2); c.4701+2T>C (NM_001130978.2); c.4638+2T>C (NM_003494.4); c.4659+2T>C (NM_001130977.2); c.4596+2T>C (NM_001130976.2); c.4734+2T>C (NM_001130982.2); and 5 more.
Identifiers: ClinVar variation 3893281 (VCV003893281.1).
Genomic context (GRCh38, chr2:71,656,292, plus strand): 5'-TGTACCGGGGCAAGACGCAGGAGGAGACAGAAGATCCATCTGTGATTGGTGAATTTAAGG[T>C]AAATCCTCGAAGACGTCCCTAACCCAGGTGGGCCTAAGACTGTGGTGTTGGAGCAATAAG-3'